The following is an entry in ClinVar:

NM_025099.6(CTC1):c.2266G>A (p.Val756Met)

Gene: CTC1 (CST telomere replication complex component 1; minus strand). Cytogenetic location: 17p13.1.
Variant type: single nucleotide variant.
Coding change: c.2266G>A on transcript NM_025099.6 (MANE Select); coding-DNA position 2266, G replaced by A.
Protein change: p.Val756Met; replaces valine 756 with methionine.
Molecular consequence: missense variant. On other transcripts: non-coding transcript variant (1).
Genome position (GRCh38, 1-based): chr17:8,232,022, C>T on the plus strand (G>A on the coding strand, the complement: CTC1 is on the minus strand). VCF-style: chr17-8232022-C-T. GRCh37 (hg19) VCF-style: chr17-8135340-C-T.
Other names: short protein forms V756M.
Identifiers: ClinVar variation 655157 (VCV000655157.6), dbSNP rs200779057, ClinGen allele CA8372128.

ClinVar aggregate classification (germline): Uncertain significance. Review status: criteria provided, multiple submitters, no conflicts (2 of 4 stars). 4 submissions from 4 submitters: Uncertain significance (4). Last evaluated 2024-11-15.

Conditions:
Inborn genetic diseases. Identifiers: MedGen C0950123, MeSH D030342.
Dyskeratosis congenita. Identifiers: Orphanet 1775, MedGen C0265965, MONDO:0015780.

Allele frequency attached by ClinVar (database versions not stated): gnomAD 0.00003 and 0.00004; gnomAD exomes 0.00003 and 0.00005; TOPMed 0.00006; ExAC 0.00008; ESP Exome Variant Server 0.00025.
gnomAD v4.1: 44 of 1,589,744 alleles (0.0028%); highest among the groups gnomAD compares: Non-Finnish European, 0.0036%; no homozygotes.

Submissions (4):

Blueprint Genetics
Classification: Uncertain significance. Last evaluated: 2024-11-15. Review status: criteria provided, single submitter. Criteria: ACMG Guidelines, 2015. Collection method: clinical testing. Allele origin: germline.

GeneDx
Classification: Uncertain significance. Last evaluated: 2023-05-08. Review status: criteria provided, single submitter. Criteria: GeneDx Variant Classification Process June 2021. Collection method: clinical testing. Allele origin: germline. Affected: yes.
Comment: In silico analysis supports that this missense variant does not alter protein structure/function; Has not been previously published as pathogenic or benign to our knowledge

Ambry Genetics
Classification: Uncertain significance for Inborn genetic diseases. Last evaluated: 2022-09-29. Review status: criteria provided, single submitter. Criteria: Ambry Variant Classification Scheme 2023. Collection method: clinical testing. Allele origin: germline.

Labcorp Genetics (formerly Invitae), Labcorp
Classification: Uncertain significance for Dyskeratosis congenita. Last evaluated: 2022-08-23. Review status: criteria provided, single submitter. Criteria: Invitae Variant Classification Sherloc (09022015). Collection method: clinical testing. Allele origin: germline.
Comment: This sequence change replaces valine, which is neutral and non-polar, with methionine, which is neutral and non-polar, at codon 756 of the CTC1 protein (p.Val756Met). This variant is present in population databases (rs200779057, gnomAD 0.01%). This variant has not been reported in the literature in individuals affected with CTC1-related conditions. ClinVar contains an entry for this variant (Variation ID: 655157). Algorithms developed to predict the effect of missense changes on protein structure and function are either unavailable or do not agree on the potential impact of this missense change (SIFT: "Deleterious"; PolyPhen-2: "Possibly Damaging"; Align-GVGD: "Class C0"). Algorithms developed to predict the effect of sequence changes on RNA splicing suggest that this variant may disrupt the consensus splice site. In summary, the available evidence is currently insufficient to determine the role of this variant in disease. Therefore, it has been classified as a Variant of Uncertain Significance.